The following is an entry in ClinVar:

ClinVar aggregate classification (germline): Uncertain significance (1 of 4 stars; one submission).

Submission:

GeneDx
Classification: Uncertain significance. Last evaluated: 2024-11-17. Review status: criteria provided, single submitter. Criteria: GeneDx Variant Classification Process June 2021. Collection method: clinical testing. Allele origin: germline. Affected: yes.
Comment: Not observed at significant frequency in large population cohorts (gnomAD); In silico analysis supports that this missense variant has a deleterious effect on protein structure/function; Has not been previously published as pathogenic or benign to our knowledge

NM_032217.5(ANKRD17):c.2584A>G (p.Lys862Glu)

Gene: ANKRD17 (ankyrin repeat domain 17; minus strand). Cytogenetic location: 4q13.3.
Variant type: single nucleotide variant.
Coding change: c.2584A>G on transcript NM_032217.5 (MANE Select); coding-DNA position 2584, A replaced by G.
Protein change: p.Lys862Glu; replaces lysine 862 with glutamic acid.
Molecular consequence: missense variant. On other transcripts: intron variant (1).
Genome position (GRCh38, 1-based): chr4:73,140,032, T>C on the plus strand (A>G on the coding strand, the complement: ANKRD17 is on the minus strand). VCF-style: chr4-73140032-T-C. GRCh37 (hg19) VCF-style: chr4-74005749-T-C.
Other names: c.2245A>G, p.Lys749Glu (NM_001286771.3); c.2584A>G, p.Lys862Glu (NM_015574.2); c.2332+1709A>G (NM_198889.3); short protein forms K749E, K862E.
Identifiers: ClinVar variation 3899566 (VCV003899566.1).